The following is an entry in ClinVar:

ClinVar aggregate classification (germline): Likely benign. Review status: criteria provided, multiple submitters, no conflicts (2 of 4 stars). 3 submissions from 3 submitters: Likely benign (3). Last evaluated 2026-04-27.

Conditions:
BCS1L-related disorder. Also called: BCS1L-related condition; BCS1L-related disorders. Identifiers: MedGen CN239240.

Submissions (3):

PreventionGenetics, part of Exact Sciences
Classification: Likely benign for BCS1L-related condition. Last evaluated: 2026-04-27. Review status: criteria provided, single submitter. Criteria: ACMG Guidelines, 2015. Collection method: clinical testing. Allele origin: germline.
Comment: This variant is classified as likely benign based on ACMG/AMP sequence variant interpretation guidelines (Richards et al. 2015 PMID: 25741868, with internal and published modifications).

Labcorp Genetics (formerly Invitae), Labcorp
Classification: Likely benign. Last evaluated: 2026-01-22. Review status: criteria provided, single submitter. Criteria: Invitae Variant Classification Sherloc (09022015). Collection method: clinical testing. Allele origin: germline.

GeneDx
Classification: Likely benign. Last evaluated: 2023-12-05. Review status: criteria provided, single submitter. Criteria: GeneDx Variant Classification Process June 2021. Collection method: clinical testing. Allele origin: germline. Affected: yes.
Comment: See Variant Classification Assertion Criteria.

NM_001079866.2(BCS1L):c.461-12_461-10del

Gene: BCS1L (BCS1 ubiquinol-cytochrome c reductase complex chaperone; plus strand). Cytogenetic location: 2q35.
Variant type: Microsatellite.
Coding change: c.461-12_461-10del on transcript NM_001079866.2 (MANE Select); 12 bases into the intron before coding-DNA position 461 through 10 bases into the intron before coding-DNA position 461, 3 bases deleted (TCT; older notation c.461-12_461-10delTCT).
Molecular consequence: intron variant.
Genome position (GRCh38, 1-based): chr2:218,661,747-218,661,749, TCT deleted; deleting any 3 consecutive bases within chr2:218,661,744-218,661,749 gives the same sequence; the c. name uses the placement nearest the transcript's 3' end. VCF-style (leftmost placement, unchanged base first): chr2-218661743-ATCT-A. GRCh37 (hg19) VCF-style: chr2-219526466-ATCT-A.
Other names: c.461-12_461-10del (NM_001374085.1, NM_001371446.1, NM_001371450.1 and 10 more transcripts); c.-41-12_-41-10del (NM_001374086.1, NM_001371454.1, NM_001371453.1 and 3 more transcripts); c.101-12_101-10del (NM_001371451.1, NM_001318836.2); c.461-12_461-10delTCT (NM_004328.4).
Identifiers: ClinVar variation 516820 (VCV000516820.12), dbSNP rs767028489, ClinGen allele CA2109674.